The following is an entry in ClinVar:

ClinVar aggregate classification (germline): Uncertain significance (1 of 4 stars; one submission).

Conditions:
Hereditary pancreatitis (PCTT). Also called: Hereditary chronic pancreatitis; PRSS1-Related Hereditary Pancreatitis. Identifiers: Orphanet 676, MedGen C0238339, MONDO:0008185, OMIM 167800.

Submission:

Labcorp Genetics (formerly Invitae), Labcorp
Classification: Uncertain significance for Hereditary pancreatitis. Last evaluated: 2022-02-22. Review status: criteria provided, single submitter. Criteria: Invitae Variant Classification Sherloc (09022015). Collection method: clinical testing. Allele origin: germline.
Comment: In summary, the available evidence is currently insufficient to determine the role of this variant in disease. Therefore, it has been classified as a Variant of Uncertain Significance. This sequence change creates a premature translational stop signal (p.Leu128Alafs*42) in the PRSS1 gene. It is expected to result in an absent or disrupted protein product. However, the current clinical and genetic evidence is not sufficient to establish whether loss-of-function variants in PRSS1 cause disease. The frequency data for this variant in the population databases is considered unreliable, as metrics indicate poor data quality at this position in the gnomAD database. This variant has not been reported in the literature in individuals affected with PRSS1-related conditions.

NM_002769.5(PRSS1):c.382_383del (p.Leu128fs)

Genes: PRSS1 (serine protease 1; plus strand), TRB (T cell receptor beta locus; plus strand). Cytogenetic location: 7q34.
Variant type: Microsatellite.
Coding change: c.382_383del on transcript NM_002769.5 (MANE Select); coding-DNA positions 382 to 383, 2 bases deleted (CT; older notation c.382_383delCT).
Protein change: p.Leu128fs; shifts the reading frame from leucine 128.
Molecular consequence: frameshift variant. On other transcripts: non-coding transcript variant (5).
Genome position (GRCh38, 1-based): chr7:142,751,955-142,751,956, CT deleted; deleting any 2 consecutive bases within chr7:142,751,950-142,751,956 gives the same sequence; the c. name uses the placement nearest the transcript's 3' end. VCF-style (leftmost placement, unchanged base first): chr7-142751949-ATC-A. GRCh37 (hg19) VCF-style: chr7-142459800-ATC-A.
Other names: short protein forms L128fs.
Identifiers: ClinVar variation 2416392 (VCV002416392.6), dbSNP rs781337582, ClinGen allele CA4529939.
Genomic context (GRCh38, chr7:142,751,949, plus strand): 5'-AATGACATCATGTTAATCAAGCTCTCCTCACGTGCAGTAATCAACGCCCGCGTGTCCACC[ATC>A]TCTCTGCCCACCGCCCCTCCAGCCACTGGCACGAAGTGCCTCATCTCTGGCTGGGGCAAC-3'